The following is an entry in ClinVar:

NM_000492.4(CFTR):c.3870A>G (p.Pro1290=)

Genes: CFTR (CF transmembrane conductance regulator; plus strand), CFTR-AS2 (CFTR antisense RNA 2; minus strand). Cytogenetic location: 7q31.2.
Variant type: single nucleotide variant.
Coding change: c.3870A>G on transcript NM_000492.4 (MANE Select); coding-DNA position 3870, A replaced by G.
Protein change: p.Pro1290=; no amino-acid change (proline 1290 retained).
Molecular consequence: synonymous variant.
Genome position (GRCh38, 1-based): chr7:117,642,590, A>G. VCF-style: chr7-117642590-A-G. GRCh37 (hg19) VCF-style: chr7-117282644-A-G.
Other names: P1290P (4002A/G); p.Pro1290=.
Identifiers: ClinVar variation 93153 (VCV000093153.58), dbSNP rs1800130, ClinGen allele CA146699.
Genomic context (GRCh38, chr7:117,642,590, plus strand): 5'-TGGTGTGTCTTGGGATTCAATAACTTTGCAACAGTGGAGGAAAGCCTTTGGAGTGATACC[A>G]CAGGTGAGCAAAAGGACTTAGCCAGAAAAAAGGCAACTAAATTATATTTTTTACTGCTAT-3'
Protein context (NP_000483.3, residues 1280-1300): QQWRKAFGVI[Pro1290=]QKVFIFSGTF

ClinVar aggregate classification (germline): Benign. Review status: criteria provided, multiple submitters, no conflicts (2 of 4 stars). 19 submissions from 18 submitters: Benign (14). 5 of the submissions do not count toward it. Last evaluated 2026-02-04.

Conditions:
Cystic fibrosis (CF). Also called: MUCOVISCIDOSIS. Identifiers: Orphanet 586, MedGen C0010674, MONDO:0009061, OMIM 219700. Disease mechanism: loss of function.
Hereditary pancreatitis (PCTT). Also called: Hereditary chronic pancreatitis; PRSS1-Related Hereditary Pancreatitis. Identifiers: Orphanet 676, MedGen C0238339, MONDO:0008185, OMIM 167800.
CFTR-related disorder (CFTR-RD). Also called: CFTR-related disorders; CFTR-related condition. Identifiers: MedGen C5924204, MONDO:7770004.

Allele frequency attached by ClinVar (database versions not stated): gnomAD exomes 0.03838 and 0.04830; ExAC 0.05203; TOPMed 0.06633; 1000 Genomes Project 0.06849; ESP Exome Variant Server 0.07074; gnomAD 0.07160 and 0.07467; 1000 Genomes Project 30x 0.07183.
gnomAD v4.1: 67,083 of 1,613,132 alleles (4.2%); highest among the groups gnomAD compares: African/African-American, 15%; 2,219 homozygotes.

Submissions (19):

Labcorp Genetics (formerly Invitae), Labcorp
Classification: Benign for Cystic fibrosis. Last evaluated: 2026-02-04. Review status: criteria provided, single submitter. Criteria: Invitae Variant Classification Sherloc (09022015). Collection method: clinical testing. Allele origin: germline.

Blueprint Genetics
Classification: Benign. Last evaluated: 2024-11-27. Review status: criteria provided, single submitter. Criteria: ACMG Guidelines, 2015. Collection method: clinical testing. Allele origin: germline.

Mayo Clinic Laboratories, Mayo Clinic
Classification: Benign. Last evaluated: 2023-02-16. Review status: criteria provided, single submitter. Criteria: ACMG Guidelines, 2015. Collection method: clinical testing. Allele origin: germline. Observed: 456 variant alleles.

Institute of Human Genetics, University of Leipzig Medical Center
Classification: Benign for Cystic fibrosis. Last evaluated: 2022-09-05. Review status: criteria provided, single submitter. Criteria: ACMG Guidelines, 2015. Collection method: curation. Allele origin: unknown. Affected: yes. Observed: 3 variant alleles.
Comment: This variant was identified in 3 unrelated patients with a clinically confirmed diagnosis of cystic fibrosis. The variant was classified in the context of a project re-classifying variants in the German Cystic Fibrosis Registry (Muko.e.V.). Criteria applied: BA1, BS1

ARUP Laboratories, Molecular Genetics and Genomics, ARUP Laboratories
Classification: Benign. Last evaluated: 2022-06-20. Review status: criteria provided, single submitter. Criteria: ARUP Molecular Germline Variant Investigation Process 2021. Collection method: clinical testing. Allele origin: germline.

Genome Diagnostics Laboratory, The Hospital for Sick Children
Classification: Benign for Cystic fibrosis. Last evaluated: 2021-08-31. Review status: criteria provided, single submitter. Criteria: ACMG Guidelines, 2015. Collection method: clinical testing. Allele origin: germline.

GeneDx
Classification: Benign. Last evaluated: 2018-06-21. Review status: criteria provided, single submitter. Criteria: GeneDx Variant Classification Process June 2021. Collection method: clinical testing. Allele origin: germline. Affected: yes.
Comment: This variant is associated with the following publications: (PMID: 10572229, 24631642, 25033378, 23503723, 10601093, 22483971, 26436105, 27488005, 27022295, 28456595)

CFTR-France
Classification: Benign for cystic fibrosis. Last evaluated: 2018-01-29. Review status: criteria provided, single submitter. Criteria: Claustres M et al. (Hum Mutat 2017). Collection method: curation. Allele origin: germline. Affected: yes and no.
Comment: the variant does not result in CFTR-RD neither

Illumina Laboratory Services, Illumina
Classification: Benign for CFTR-Related Disorders. Last evaluated: 2018-01-13. Review status: criteria provided, single submitter. Criteria: ICSL Variant Classification Criteria 13 December 2019. Collection method: clinical testing. Allele origin: germline.
Comment: This variant was observed in the ICSL laboratory as part of a predisposition screen in an ostensibly healthy population. It had not been previously curated by ICSL or reported in the Human Gene Mutation Database (HGMD: prior to June 1st, 2018), and was therefore a candidate for classification through an automated scoring system. Utilizing variant allele frequency, disease prevalence and penetrance estimates, and inheritance mode, an automated score was calculated to assess if this variant is too frequent to cause the disease. Based on the score and internal cut-off values, a variant classified as benign is not then subjected to further curation. The score for this variant resulted in a classification of benign for this disease.

Eurofins Ntd Llc (ga)
Classification: Benign. Last evaluated: 2015-07-16. Review status: criteria provided, single submitter. Criteria: EGL Classification Definitions 2015. Collection method: clinical testing. Allele origin: germline. Observed: 53 variant alleles, 51 heterozygotes, 2 homozygotes.

Ambry Genetics
Classification: Benign for Cystic fibrosis. Last evaluated: 2014-11-19. Review status: criteria provided, single submitter. Criteria: Ambry Variant Classification Scheme 2023. Collection method: clinical testing. Allele origin: germline.

Laboratory for Molecular Medicine, Mass General Brigham Personalized Medicine
Classification: Benign. Last evaluated: 2013-02-21. Review status: criteria provided, single submitter. Criteria: LMM Criteria. Collection method: clinical testing. Allele origin: germline. Observed: 10 variant alleles.
Comment: Pro1290Pro in exon 23 of CFTR: This variant is not expected to have clinical sig nificance because it does not alter an amino acid residue and is not located wit hin the splice consensus sequence. It has been identified in 15.1% (665/4406) of African American chromosomes from a broad population by the NHLBI Exome Sequenc ing Project (dbSNP rs1800130).

Breakthrough Genomics
Classification: Benign. Review status: criteria provided, single submitter. Criteria: ACMG Guidelines, 2015. Collection method: not provided. Allele origin: germline. Inheritance: Autosomal recessive inheritance. Affected: yes.

PreventionGenetics, part of Exact Sciences
Classification: Benign. Review status: criteria provided, single submitter. Criteria: ACMG Guidelines, 2015. Collection method: clinical testing. Allele origin: germline.

Genome Diagnostics Laboratory, The Hospital for Sick Children
Classification: Benign for CFTR-related disorders. Last evaluated: 2021-08-31. Review status: no assertion criteria provided. Collection method: clinical testing. Allele origin: germline. Not counted in ClinVar's aggregate classification.

Molecular Genetics Laboratory, BC Children's and BC Women's Hospitals
Classification: Benign for Cystic Fibrosis. Last evaluated: 2020-01-30. Review status: no assertion criteria provided. Criteria: ACMG Guidelines, 2015. Collection method: clinical testing. Allele origin: germline. Affected: yes. Not counted in ClinVar's aggregate classification.

Natera, Inc.
Classification: Benign for CFTR-related disorders. Last evaluated: 2017-03-29. Review status: no assertion criteria provided. Collection method: clinical testing. Allele origin: germline. Not counted in ClinVar's aggregate classification.

GeneReviews
No classification provided. Condition: Hereditary pancreatitis. Review status: no classification provided. Collection method: literature only. Allele origin: germline. Affected: yes. Not counted in ClinVar's aggregate classification.

Genetic Services Laboratory, University of Chicago
Classification: Likely benign for AllHighlyPenetrant. Review status: no assertion criteria provided. Collection method: clinical testing. Allele origin: germline. Inheritance: Autosomal recessive inheritance. Not counted in ClinVar's aggregate classification.
Comment: Likely benign based on allele frequency in 1000 Genomes Project or ESP global frequency and its presence in a patient with a rare or unrelated disease phenotype. NOT Sanger confirmed.

Literature cited by the submitters: NCBI Bookshelf NBK190101 (cited by GeneReviews).